The following is an entry in ClinVar:

ClinVar aggregate classification (germline): Conflicting classifications of pathogenicity. Review status: criteria provided, conflicting classifications (1 of 4 stars). 9 submissions from 9 submitters: Uncertain significance (6); Likely benign (3). Last evaluated 2026-02-13.

Conditions:
BAP1-related disorder. Also called: BAP1-related condition.
Hereditary cancer. Identifiers: MedGen C1333600.
Hereditary cancer-predisposing syndrome. Also called: Neoplastic Syndromes, Hereditary; Hereditary Cancer Syndrome; Tumor predisposition; Hereditary neoplastic syndrome. Identifiers: Orphanet 140162, MedGen C0027672, MeSH D009386, MONDO:0015356.
BAP1-related tumor predisposition syndrome (TPDS1). Also called: Tumor susceptibility linked to germline BAP1 mutations; COMMON Syndrome; BAP1 tumor predisposition syndrome; TUMOR PREDISPOSITION SYNDROME 1. Identifiers: Orphanet 289539, MedGen C3280492, MONDO:0013692, OMIM 614327.

Allele frequency attached by ClinVar (database versions not stated): gnomAD 0.00001; ExAC 0.00003; gnomAD exomes 0.00003; TOPMed 0.00003.

Submissions (9):

PreventionGenetics, part of Exact Sciences
Classification: Uncertain significance for BAP1-related condition. Last evaluated: 2026-02-13. Review status: criteria provided, single submitter. Criteria: ACMG Guidelines, 2015. Collection method: clinical testing. Allele origin: germline.
Comment: The BAP1 c.1166G>A variant is predicted to result in the amino acid substitution p.Arg389His. This variant has been reported as uncertain in an individual with pancreatic neuroendocrine tumor (eTable 4, Yin et al. 2022. PubMed ID: 35171259) and in another individual with breast and kidney cancer (Datasheet 1, Gifoni et al. 2022. PubMed ID: 35957908). This variant is reported in 0.033% of alleles in individuals of East Asian descent in gnomAD and has conflicting interpretations regarding its pathogenicity in ClinVar, ranging from likely benign to uncertain (Variation ID: 472660). Although we suspect that this variant may be benign, at this time, the clinical significance of this variant is uncertain due to the absence of conclusive functional and genetic evidence.

Labcorp Genetics (formerly Invitae), Labcorp
Classification: Uncertain significance for BAP1-related tumor predisposition syndrome. Last evaluated: 2025-11-24. Review status: criteria provided, single submitter. Criteria: Invitae Variant Classification Sherloc (09022015). Collection method: clinical testing. Allele origin: germline.
Comment: This sequence change replaces arginine, which is basic and polar, with histidine, which is basic and polar, at codon 389 of the BAP1 protein (p.Arg389His). This variant is present in population databases (rs770778299, gnomAD 0.02%). This missense change has been observed in individual(s) with pancreatic ductal adenocarcinoma (PMID: 35171259, 35957908). ClinVar contains an entry for this variant (Variation ID: 472660). Invitae Evidence Modeling of protein sequence and biophysical properties (such as structural, functional, and spatial information, amino acid conservation, physicochemical variation, residue mobility, and thermodynamic stability) indicates that this missense variant is not expected to disrupt BAP1 protein function with a negative predictive value of 80%. In summary, the available evidence is currently insufficient to determine the role of this variant in disease. Therefore, it has been classified as a Variant of Uncertain Significance.

Color Diagnostics, LLC DBA Color Health
Classification: Likely benign for Hereditary cancer-predisposing syndrome. Last evaluated: 2025-04-14. Review status: criteria provided, single submitter. Criteria: ACMG Guidelines, 2015. Collection method: clinical testing. Allele origin: germline.

Center for Genomic Medicine, Rigshospitalet, Copenhagen University Hospital
Classification: Uncertain significance. Last evaluated: 2025-03-04. Review status: criteria provided, single submitter. Criteria: ACMG Guidelines, 2015. Collection method: clinical testing. Allele origin: germline.

Mendelics
Classification: Likely benign for Hereditary cancer. Last evaluated: 2024-09-11. Review status: criteria provided, single submitter. Criteria: ACMG Guidelines, 2015. Collection method: clinical testing. Allele origin: unknown.
Comment: This variant is considered likely benign or benign based on one or more of the following: it is predicted to be benign by multiple in silico algorithms, and/or has population frequency not consistent with disease, and/or has normal protein function, and/or has lack of segregation with disease, and/or has been detected in co-occurrence with known pathogenic variant, and/or has lack of disease association in case-control studies, and/or is located in a region inconsistent with a known cause of pathogenicity.

Molecular Pathology, Peter Maccallum Cancer Centre
Classification: Uncertain significance for BAP1-related tumor predisposition syndrome. Last evaluated: 2024-07-16. Review status: criteria provided, single submitter. Criteria: ACMG Guidelines, 2015. Collection method: clinical testing. Allele origin: germline. Inheritance: Autosomal dominant inheritance.

GeneDx
Classification: Uncertain significance. Last evaluated: 2024-02-06. Review status: criteria provided, single submitter. Criteria: GeneDx Variant Classification Process June 2021. Collection method: clinical testing. Allele origin: germline. Affected: yes.
Comment: In silico analysis supports that this missense variant does not alter protein structure/function; Published functional studies suggest no damaging effect: nuclear localization and deubiquitinase activity similar to wild type (PMID: 33240524); This variant is associated with the following publications: (PMID: 36046364, 35171259, 35957908, 33240524)

Baylor Genetics
Classification: Uncertain significance for BAP1-related tumor predisposition syndrome. Last evaluated: 2023-12-20. Review status: criteria provided, single submitter. Criteria: ACMG Guidelines, 2015. Collection method: clinical testing. Allele origin: unknown.

Ambry Genetics
Classification: Likely benign for Hereditary cancer-predisposing syndrome. Last evaluated: 2021-05-06. Review status: criteria provided, single submitter. Criteria: Ambry Variant Classification Scheme 2023. Collection method: clinical testing. Allele origin: germline.

Literature cited by the submitters: PubMed 35171259 (cited by Labcorp Genetics (formerly Invitae), Labcorp); PubMed 35957908 (cited by Labcorp Genetics (formerly Invitae), Labcorp); PubMed 33240524 (cited by Center for Genomic Medicine, Rigshospitalet, Copenhagen University Hospital and Ambry Genetics).

NM_004656.4(BAP1):c.1166G>A (p.Arg389His)

Gene: BAP1 (BRCA1 associated deubiquitinase 1; minus strand). Cytogenetic location: 3p21.1.
Variant type: single nucleotide variant.
Coding change: c.1166G>A on transcript NM_004656.4 (MANE Select); coding-DNA position 1166, G replaced by A.
Protein change: p.Arg389His; replaces arginine 389 with histidine.
Molecular consequence: missense variant.
Genome position (GRCh38, 1-based): chr3:52,404,537, C>T on the plus strand (G>A on the coding strand, the complement: BAP1 is on the minus strand). VCF-style: chr3-52404537-C-T. GRCh37 (hg19) VCF-style: chr3-52438553-C-T.
Other names: short protein forms R389H.
Identifiers: ClinVar variation 472660 (VCV000472660.27), dbSNP rs770778299, ClinGen allele CA2436883.